The following is an entry in ClinVar:

ClinVar aggregate classification (germline): Pathogenic (1 of 4 stars; one submission).

Conditions:
Neurodevelopmental disorder with microcephaly, hypotonia, and variable brain anomalies (NMIHBA). Identifiers: Orphanet 544469, MedGen C4479566, MONDO:0060490, OMIM 617481.

Submission:

Broad Center for Mendelian Genomics, Broad Institute of MIT and Harvard
Classification: Pathogenic for Neurodevelopmental disorder with microcephaly, hypotonia, and variable brain anomalies. Last evaluated: 2023-08-24. Review status: criteria provided, single submitter. Criteria: ACMG/ClinGen CNV Guidelines, 2019. Collection method: research. Allele origin: unknown. Inheritance: Autosomal recessive inheritance. Affected: yes.
Comment: The presence of this deletion was validated by Sanger sequencing. These breakpoints have been estimated by exome sequencing only and therefore may not reflect the true breakpoints. Inheritance information is unavailable. The patient phenotype is nonspecific, but is consistent with cases described in the literature and/or published databases with overlapping variants. This intragenic variant is predicted to cause a frameshift, which alters the protein’s amino acid sequence beginning at exon 2 and leads to a premature termination codon. This alteration is then predicted to lead to a truncated or absent protein. Loss of function of PRUNE1 is an established disease mechanism in autosomal recessive neurodevelopmental disorder with microcephaly, hypotonia, and variable brain anomalies. In summary, this variant meets criteria to be classified as pathogenic for autosomal recessive neurodevelopmental disorder with microcephaly, hypotonia, and variable brain anomalies. The ACMG/ClinGen evidence codes and points used in this curation are as follows: 1: 0 points, 2: 0.9 points, 3: 0 points, 4-5: 0.15 points; Total: 1.05 points; Riggs 2020 (PMID: 31690835).

GRCh38/hg38 1q21.3(chr1:151017715-151018767)x0

Gene: PRUNE1 (prune exopolyphosphatase 1; plus strand). Cytogenetic location: 1q21.3.
Variant type: copy number loss.
Change: copy number 0 (both copies lost) of chr1:151,017,715-151,018,767 (1.1 kb, GRCh38 coordinates, 1-based), cytogenetic band 1q21.3.
Identifiers: ClinVar variation 2579198 (VCV002579198.1).